The following is an entry in ClinVar:

ClinVar aggregate classification (germline): Benign (1 of 4 stars; one submission).

Allele frequency attached by ClinVar (database versions not stated): 1000 Genomes Project 0.03454; 1000 Genomes Project 30x 0.03560; gnomAD 0.04595 and 0.04697; TOPMed 0.04930.
gnomAD v4.1: 7,209 of 152,264 alleles (4.7%); highest among the groups gnomAD compares: Non-Finnish European, 6.8%; 236 homozygotes.

Submission:

GeneDx
Classification: Benign. Last evaluated: 2018-06-19. Review status: criteria provided, single submitter. Criteria: GeneDx Variant Classification (06012015). Collection method: clinical testing. Allele origin: germline. Affected: yes.
Comment: This variant is considered likely benign or benign based on one or more of the following criteria: it is a conservative change, it occurs at a poorly conserved position in the protein, it is predicted to be benign by multiple in silico algorithms, and/or has population frequency not consistent with disease.

NM_001377.3(DYNC2H1):c.2818+210A>G

Gene: DYNC2H1 (dynein cytoplasmic 2 heavy chain 1; plus strand). Cytogenetic location: 11q22.3.
Variant type: single nucleotide variant.
Coding change: c.2818+210A>G on transcript NM_001377.3 (MANE Select); 210 bases into the intron after coding-DNA position 2818, A replaced by G.
Molecular consequence: intron variant.
Genome position (GRCh38, 1-based): chr11:103,148,097, A>G. VCF-style: chr11-103148097-A-G. GRCh37 (hg19) VCF-style: chr11-103018826-A-G.
Other names: c.2818+210A>G (NM_001080463.2).
Identifiers: ClinVar variation 669443 (VCV000669443.1), dbSNP rs11225570, ClinGen allele CA15703884.